The following is an entry in ClinVar:

NM_001371986.1(UNC80):c.3719A>C (p.Lys1240Thr)

Genes: UNC80 (unc-80 subunit of NALCN channel complex; plus strand), LOC121725110 (Sharpr-MPRA regulatory region 8902; plus strand). Cytogenetic location: 2q34.
Variant type: single nucleotide variant.
Coding change: c.3719A>C on transcript NM_001371986.1 (MANE Select); coding-DNA position 3719, A replaced by C.
Protein change: p.Lys1240Thr; replaces lysine 1240 with threonine.
Molecular consequence: missense variant.
Genome position (GRCh38, 1-based): chr2:209,872,849, A>C. VCF-style: chr2-209872849-A-C. GRCh37 (hg19) VCF-style: chr2-210737573-A-C.
Other names: c.3725A>C, p.Lys1242Thr (NM_032504.2); c.3710A>C, p.Lys1237Thr (NM_182587.4); short protein forms K1237T, K1242T, K1240T.
Identifiers: ClinVar variation 1959234 (VCV001959234.5), dbSNP rs758367420, ClinGen allele CA2083147.
Genomic context (GRCh38, chr2:209,872,849, plus strand): 5'-TCCTGGAATGTGCTCGTTTTGTTCACCGCTGCAACCGTGGCAACTGGCCAGAGTGGATGA[A>C]AGGGCACCACGTGAACATCACCAAGAAAGGACTTTCCCGGGGACGCTCTCCCATTGTGGG-3'
Protein context (NP_001358915.1, residues 1230-1250): CNRGNWPEWM[Lys1240Thr]GHHVNITKKG

ClinVar aggregate classification (germline): Uncertain significance (1 of 4 stars; one submission).

Allele frequency attached by ClinVar (database versions not stated): gnomAD 0.00003; TOPMed 0.00003; ExAC 0.00005; gnomAD exomes 0.00006.
gnomAD v4.1: 88 of 1,551,356 alleles (0.0057%); highest among the groups gnomAD compares: Non-Finnish European, 0.0074%; no homozygotes.

Submission:

Labcorp Genetics (formerly Invitae), Labcorp
Classification: Uncertain significance. Last evaluated: 2022-08-03. Review status: criteria provided, single submitter. Criteria: Invitae Variant Classification Sherloc (09022015). Collection method: clinical testing. Allele origin: germline.
Comment: This sequence change replaces lysine, which is basic and polar, with threonine, which is neutral and polar, at codon 1242 of the UNC80 protein (p.Lys1242Thr). This variant is present in population databases (rs758367420, gnomAD 0.007%). This variant has not been reported in the literature in individuals affected with UNC80-related conditions. Algorithms developed to predict the effect of missense changes on protein structure and function are either unavailable or do not agree on the potential impact of this missense change (SIFT: "Not Available"; PolyPhen-2: "Probably Damaging"; Align-GVGD: "Not Available"). In summary, the available evidence is currently insufficient to determine the role of this variant in disease. Therefore, it has been classified as a Variant of Uncertain Significance.